The following is an entry in ClinVar:

ClinVar aggregate classification (germline): Uncertain significance (1 of 4 stars; one submission).

Conditions:
BDNF-related disorder. Also called: BDNF-related condition.

Allele frequency attached by ClinVar (database versions not stated): ExAC 0.00001; gnomAD 0.00001; gnomAD exomes 0.00001; TOPMed 0.00001.
gnomAD v4.1: 20 of 1,614,016 alleles (0.0012%); highest among the groups gnomAD compares: South Asian, 0.0033%; no homozygotes.

Submission:

PreventionGenetics, part of Exact Sciences
Classification: Uncertain significance for BDNF-related condition. Last evaluated: 2026-08-24. Review status: criteria provided, single submitter. Criteria: ACMG Guidelines, 2015. Collection method: clinical testing. Allele origin: germline.
Comment: The BDNF c.359G>A variant is predicted to result in the amino acid substitution p.Arg120Gln. To our knowledge, this variant has not been reported in the literature. This variant is reported in 0.00088% of alleles in individuals of European (Non-Finnish) descent in gnomAD. At this time, the clinical significance of this variant is uncertain due to the absence of conclusive functional and genetic evidence.

NM_001709.5(BDNF):c.113G>A (p.Arg38Gln)

Genes: BDNF-AS (BDNF antisense RNA; plus strand), BDNF (brain derived neurotrophic factor; minus strand). Cytogenetic location: 11p14.1.
Variant type: single nucleotide variant.
Coding change: c.113G>A on transcript NM_001709.5 (MANE Select); coding-DNA position 113, G replaced by A.
Protein change: p.Arg38Gln; replaces arginine 38 with glutamine.
Molecular consequence: missense variant. On other transcripts: non-coding transcript variant (5).
Genome position (GRCh38, 1-based): chr11:27,658,452, C>T on the plus strand (G>A on the coding strand, the complement: BDNF is on the minus strand). VCF-style: chr11-27658452-C-T. GRCh37 (hg19) VCF-style: chr11-27679999-C-T.
Other names: c.113G>A, p.Arg38Gln (NM_001143805.1, NM_001143806.1, NM_001143807.2 and 9 more transcripts); c.200G>A, p.Arg67Gln (NM_001143809.2); c.359G>A, p.Arg120Gln (NM_001143810.2); c.137G>A, p.Arg46Gln (NM_170731.5); c.158G>A, p.Arg53Gln (NM_170734.4); short protein forms R120Q, R38Q, R46Q, R53Q, R67Q.
Identifiers: ClinVar variation 2634377 (VCV002634377.2), dbSNP rs763357890, ClinGen allele CA5929138.